The following is an entry in ClinVar:

NM_004744.5(LRAT):c.11C>A (p.Pro4His)

Gene: LRAT (lecithin retinol acyltransferase; plus strand). Cytogenetic location: 4q32.1.
Variant type: single nucleotide variant.
Coding change: c.11C>A on transcript NM_004744.5 (MANE Select); coding-DNA position 11, C replaced by A.
Protein change: p.Pro4His; replaces proline 4 with histidine.
Molecular consequence: missense variant.
Genome position (GRCh38, 1-based): chr4:154,744,337, C>A. VCF-style: chr4-154744337-C-A. GRCh37 (hg19) VCF-style: chr4-155665489-C-A.
Other names: c.11C>A, p.Pro4His (NM_001301645.2); short protein forms P4H.
Identifiers: ClinVar variation 1361071 (VCV001361071.5), dbSNP rs144471673, ClinGen allele CA358629794.

ClinVar aggregate classification (germline): Uncertain significance (1 of 4 stars; one submission).

Allele frequency attached by ClinVar (database versions not stated): gnomAD exomes 0.00001.
gnomAD v4.1: 1 of 1,614,144 alleles (0.000062%); highest among the groups gnomAD compares: Admixed American, 0.0017%; no homozygotes.

Submission:

Labcorp Genetics (formerly Invitae), Labcorp
Classification: Uncertain significance. Last evaluated: 2021-08-14. Review status: criteria provided, single submitter. Criteria: Invitae Variant Classification Sherloc (09022015). Collection method: clinical testing. Allele origin: germline.
Comment: This sequence change replaces proline with histidine at codon 4 of the LRAT protein (p.Pro4His). The proline residue is weakly conserved and there is a moderate physicochemical difference between proline and histidine. This variant is not present in population databases (ExAC no frequency). This variant has not been reported in the literature in individuals affected with LRAT-related conditions. Algorithms developed to predict the effect of missense changes on protein structure and function are either unavailable or do not agree on the potential impact of this missense change (SIFT: "Tolerated"; PolyPhen-2: "Possibly Damaging"; Align-GVGD: "Class C0"). In summary, the available evidence is currently insufficient to determine the role of this variant in disease. Therefore, it has been classified as a Variant of Uncertain Significance.